The following is an entry in ClinVar:

ClinVar aggregate classification (germline): Likely benign (1 of 4 stars; one submission).

Submission:

CeGaT Center for Human Genetics Tuebingen
Classification: Likely benign. Last evaluated: 2026-06-01. Review status: criteria provided, single submitter. Criteria: CeGaT Center For Human Genetics Tuebingen Variant Classification Criteria Version 2. Collection method: clinical testing. Allele origin: germline. Affected: yes. Observed: 1 variant allele.
Comment: TRAPPC10: PM2:Supporting, BP4, BP7

NM_003274.5(TRAPPC10):c.3537C>T (p.Asp1179=)

Gene: TRAPPC10 (trafficking protein particle complex subunit 10; plus strand). Cytogenetic location: 21q22.3.
Variant type: single nucleotide variant.
Coding change: c.3537C>T on transcript NM_003274.5 (MANE Select); coding-DNA position 3537, C replaced by T.
Protein change: p.Asp1179=; no amino-acid change (aspartic acid 1179 retained).
Molecular consequence: synonymous variant.
Genome position (GRCh38, 1-based): chr21:44,102,968, C>T. VCF-style: chr21-44102968-C-T. GRCh37 (hg19) VCF-style: chr21-45522849-C-T.
Other names: c.2136C>T, p.Asp712= (NM_001351709.1).
Identifiers: ClinVar variation 4872475 (VCV004872475.2).